The following is an entry in ClinVar:

NM_001130144.3(LTBP3):c.1001G>A (p.Arg334His)

Gene: LTBP3 (latent transforming growth factor beta binding protein 3; minus strand). Cytogenetic location: 11q13.1.
Variant type: single nucleotide variant.
Coding change: c.1001G>A on transcript NM_001130144.3 (MANE Select); coding-DNA position 1001, G replaced by A.
Protein change: p.Arg334His; replaces arginine 334 with histidine.
Molecular consequence: missense variant.
Genome position (GRCh38, 1-based): chr11:65,553,226, C>T on the plus strand (G>A on the coding strand, the complement: LTBP3 is on the minus strand). VCF-style: chr11-65553226-C-T. GRCh37 (hg19) VCF-style: chr11-65320697-C-T.
Other names: c.650G>A, p.Arg217His (NM_001164266.1); c.1001G>A, p.Arg334His (NM_021070.4); c.1001G>A (NM_001130144.2); short protein forms R334H, R217H.
Identifiers: ClinVar variation 2890505 (VCV002890505.4), dbSNP rs750231928, ClinGen allele CA6101100.

ClinVar aggregate classification (germline): Uncertain significance. Review status: criteria provided, multiple submitters, no conflicts (2 of 4 stars). 2 submissions from 2 submitters: Uncertain significance (2). Last evaluated 2025-10-14.

Conditions:
Inborn genetic diseases. Identifiers: MedGen C0950123, MeSH D030342.
Brachyolmia-amelogenesis imperfecta syndrome. Also called: PLATYSPONDYLY WITH AMELOGENESIS IMPERFECTA; Tooth agenesis, selective, 6; Dental anomalies and short stature. Identifiers: Orphanet 2899, MedGen C1832594, MONDO:0011018, OMIM 601216. Disease mechanism: loss of function.

Submissions (2):

Labcorp Genetics (formerly Invitae), Labcorp
Classification: Uncertain significance for Brachyolmia-amelogenesis imperfecta syndrome. Last evaluated: 2025-10-14. Review status: criteria provided, single submitter. Criteria: Invitae Variant Classification Sherloc (09022015). Collection method: clinical testing. Allele origin: germline.
Comment: This sequence change replaces arginine, which is basic and polar, with histidine, which is basic and polar, at codon 334 of the LTBP3 protein (p.Arg334His). This variant is present in population databases (rs750231928, gnomAD 0.003%). This variant has not been reported in the literature in individuals affected with LTBP3-related conditions. ClinVar contains an entry for this variant (Variation ID: 2890505). An algorithm developed to predict the effect of missense changes on protein structure and function (PolyPhen-2) suggests that this variant is likely to be tolerated. In summary, the available evidence is currently insufficient to determine the role of this variant in disease. Therefore, it has been classified as a Variant of Uncertain Significance.

Ambry Genetics
Classification: Uncertain significance for Inborn genetic diseases. Last evaluated: 2025-06-18. Review status: criteria provided, single submitter. Criteria: Ambry Variant Classification Scheme 2023. Collection method: clinical testing. Allele origin: germline.